The following is an entry in ClinVar:

ClinVar aggregate classification (germline): Pathogenic (1 of 4 stars; one submission).

Conditions:
Autosomal recessive limb-girdle muscular dystrophy type 2J (LGMDR10). Also called: Limb-girdle muscular dystrophy, type 2J; MUSCULAR DYSTROPHY, LIMB-GIRDLE, AUTOSOMAL RECESSIVE 10. Identifiers: Orphanet 140922, MedGen C1837342, MONDO:0012127, OMIM 608807.
Early-onset myopathy with fatal cardiomyopathy (CMYO5). Also called: Salih Myopathy; CONGENITAL MYOPATHY 5 WITH CARDIOMYOPATHY. Identifiers: Orphanet 289377, MedGen C2673677, MONDO:0012714, OMIM 611705. Disease mechanism: loss of function.

Submissions (2):

Institute of Immunology and Genetics Kaiserslautern
Classification: Pathogenic for Early-onset myopathy with fatal cardiomyopathy; Autosomal recessive limb-girdle muscular dystrophy type 2J. Last evaluated: 2025-12-18. Review status: criteria provided, single submitter. Criteria: ACMG Guidelines, 2015. Collection method: clinical testing. Allele origin: paternal. Affected: yes.
Comment: ACMG Criteria: PVS1, PM2, PP1; Variant was found in heterozygous state. Variant was forund in compound heterozygous state with TTN(NM_001267550.2):c.92298G>A,Exon 339,p.(Trp30766Ter).?.

Dr. Peter K. Rogan Lab, Western University
No classification provided (evidence only). Condition: Squamous cell carcinoma of the head and neck. Review status: no classification provided. Collection method: in vitro. Allele origin: not applicable. Functional consequence: retained intron. Not counted in ClinVar's aggregate classification.

NM_001267550.2(TTN):c.68825-2A>G

Genes: TTN (titin; minus strand), TTN-AS1 (TTN antisense RNA 1; plus strand). Cytogenetic location: 2q31.2.
Variant type: single nucleotide variant.
Coding change: c.68825-2A>G on transcript NM_001267550.2 (MANE Select); the canonical splice acceptor site of the intron before coding-DNA position 68825, A replaced by G.
Molecular consequence: splice acceptor variant.
Genome position (GRCh38, 1-based): chr2:178,577,512, T>C on the plus strand (A>G on the coding strand, the complement: TTN is on the minus strand). VCF-style: chr2-178577512-T-C. GRCh37 (hg19) VCF-style: chr2-179442239-T-C.
Other names: NC_000002.11:g.179442239T>C; c.41630-2A>G (NM_003319.4); c.42206-2A>G (NM_133437.4); c.42005-2A>G (NM_133432.3); c.61121-2A>G (NM_133378.4); c.63902-2A>G (NM_001256850.1).
Identifiers: ClinVar variation 4506501 (VCV004506501.2).